The following is an entry in ClinVar:

ClinVar aggregate classification (germline): Uncertain significance (1 of 4 stars; one submission).

Submission:

Labcorp Genetics (formerly Invitae), Labcorp
Classification: Uncertain significance. Last evaluated: 2022-04-13. Review status: criteria provided, single submitter. Criteria: Invitae Variant Classification Sherloc (09022015). Collection method: clinical testing. Allele origin: germline.
Comment: In summary, the available evidence is currently insufficient to determine the role of this variant in disease. Therefore, it has been classified as a Variant of Uncertain Significance. This variant has not been reported in the literature in individuals affected with IFT88-related conditions. This variant is a gross deletion of the genomic region encompassing exon(s) 21-26 of the IFT88 gene. This deletion is out-of-frame, and is expected to create a premature translational stop signal and result in an absent or disrupted protein product. However, the current clinical and genetic evidence is not sufficient to establish whether loss-of-function variants in IFT88 cause disease.

NC_000013.10:g.(?_21217574)_(21245198_?)del

Gene: IFT88 (intraflagellar transport 88; plus strand). Cytogenetic location: 13q12.11.
Variant type: Deletion.
Identifiers: ClinVar variation 2427536 (VCV002427536.4).